The following is an entry in ClinVar:

NM_006118.4(HAX1):c.235_236del (p.Phe79fs)

Gene: HAX1 (HCLS1 associated protein X-1; plus strand). Cytogenetic location: 1q21.3.
Variant type: Deletion.
Coding change: c.235_236del on transcript NM_006118.4 (MANE Select); coding-DNA positions 235 to 236, 2 bases deleted (TT; older notation c.235_236delTT).
Protein change: p.Phe79fs; shifts the reading frame from phenylalanine 79.
Molecular consequence: frameshift variant.
Genome position (GRCh38, 1-based): chr1:154,273,517-154,273,518, TT deleted. VCF-style (leftmost placement, unchanged base first): chr1-154273516-CTT-C. GRCh37 (hg19) VCF-style: chr1-154245992-CTT-C.
Other names: c.91_92del, p.Phe31fs (NM_001018837.2); short protein forms F31fs, F79fs.
Identifiers: ClinVar variation 1068848 (VCV001068848.7), dbSNP rs2149139817, ClinGen allele CA2499214192.

ClinVar aggregate classification (germline): Pathogenic (1 of 4 stars; one submission).

Conditions:
Kostmann syndrome (SCN3). Also called: KOSTMANN DISEASE; Autosomal recessive severe congenital neutropenia type 3. Identifiers: Orphanet 99749, MedGen C5235141, MONDO:0012548, OMIM 610738.

Submission:

Labcorp Genetics (formerly Invitae), Labcorp
Classification: Pathogenic for Kostmann syndrome. Last evaluated: 2020-08-20. Review status: criteria provided, single submitter. Criteria: Invitae Variant Classification Sherloc (09022015). Collection method: clinical testing. Allele origin: germline.
Comment: This variant has not been reported in the literature in individuals with HAX1-related conditions. This sequence change creates a premature translational stop signal (p.Phe79Argfs*3) in the HAX1 gene. It is expected to result in an absent or disrupted protein product. This variant is not present in population databases (ExAC no frequency). Loss-of-function variants in HAX1 are known to be pathogenic (PMID: 17187068). For these reasons, this variant has been classified as Pathogenic.

Literature cited by the submitters: PubMed 17187068.